The following is an entry in ClinVar:

ClinVar aggregate classification (germline): Benign (1 of 4 stars; one submission).

Allele frequency attached by ClinVar (database versions not stated): 1000 Genomes Project 30x 0.24282; TOPMed 0.29254; gnomAD 0.29965 and 0.30163; 1000 Genomes Project 0.24521.
gnomAD v4.1: 45,994 of 151,908 alleles (30%); highest among the groups gnomAD compares: Non-Finnish European, 39%; 8,102 homozygotes.

Submission:

GeneDx
Classification: Benign. Last evaluated: 2018-06-16. Review status: criteria provided, single submitter. Criteria: GeneDx Variant Classification (06012015). Collection method: clinical testing. Allele origin: germline. Affected: yes.
Comment: This variant is considered likely benign or benign based on one or more of the following criteria: it is a conservative change, it occurs at a poorly conserved position in the protein, it is predicted to be benign by multiple in silico algorithms, and/or has population frequency not consistent with disease.

NM_145693.2(LPIN1):c.-4998T>G

Gene: LPIN1 (lipin 1; plus strand). Cytogenetic location: 2p25.1.
Variant type: single nucleotide variant.
Coding change: c.-4998T>G on transcript NM_145693.2; 4998 bases upstream of the start codon, T replaced by G.
Molecular consequence: intron variant (on NM_001261428.3).
Genome position (GRCh38, 1-based): chr2:11,741,683, T>G. VCF-style: chr2-11741683-T-G. GRCh37 (hg19) VCF-style: chr2-11881809-T-G.
Other names: c.139-23850T>G (NM_001261428.3, NM_001349208.2); c.82-23850T>G (NM_001349207.2); c.9+255T>G (NM_001261427.3).
Identifiers: ClinVar variation 684298 (VCV000684298.3), dbSNP rs72773975, ClinGen allele CA11000594.